The following is an entry in ClinVar:

ClinVar aggregate classification (germline): Uncertain significance (1 of 4 stars; one submission).

Conditions:
Inborn genetic diseases. Identifiers: MedGen C0950123, MeSH D030342.

Allele frequency attached by ClinVar (database versions not stated): gnomAD exomes below 0.00001; TOPMed below 0.00001; gnomAD 0.00001.
gnomAD v4.1: 3 of 1,613,954 alleles (0.00019%); highest among the groups gnomAD compares: East Asian, 0.0022%; no homozygotes.

Submission:

Ambry Genetics
Classification: Uncertain significance for Inborn genetic diseases. Last evaluated: 2024-02-12. Review status: criteria provided, single submitter. Criteria: Ambry Variant Classification Scheme 2023. Collection method: clinical testing. Allele origin: germline.
Comment: The p.I827T variant (also known as c.2480T>C), located in coding exon 18 of the LTBP3 gene, results from a T to C substitution at nucleotide position 2480. The isoleucine at codon 827 is replaced by threonine, an amino acid with similar properties. This amino acid position is conserved. In addition, the in silico prediction for this alteration is inconclusive. Based on the available evidence, the clinical significance of this alteration remains unclear.

NM_001130144.3(LTBP3):c.2480T>C (p.Ile827Thr)

Gene: LTBP3 (latent transforming growth factor beta binding protein 3; minus strand). Cytogenetic location: 11q13.1.
Variant type: single nucleotide variant.
Coding change: c.2480T>C on transcript NM_001130144.3 (MANE Select); coding-DNA position 2480, T replaced by C.
Protein change: p.Ile827Thr; replaces isoleucine 827 with threonine.
Molecular consequence: missense variant.
Genome position (GRCh38, 1-based): chr11:65,543,221, A>G on the plus strand (T>C on the coding strand, the complement: LTBP3 is on the minus strand). VCF-style: chr11-65543221-A-G. GRCh37 (hg19) VCF-style: chr11-65310692-A-G.
Other names: c.2129T>C, p.Ile710Thr (NM_001164266.1); c.2480T>C, p.Ile827Thr (NM_021070.4); short protein forms I710T, I827T.
Identifiers: ClinVar variation 3233158 (VCV003233158.1), dbSNP rs1339892441, ClinGen allele CA381269170.